The following is an entry in ClinVar:

ClinVar aggregate classification (germline): Likely benign (0 of 4 stars; one submission).

Conditions:
LMOD3-related disorder. Also called: LMOD3-related condition.

gnomAD v4.1: 12 of 1,483,726 alleles (0.00081%); highest among the groups gnomAD compares: Non-Finnish European, 0.0011%; no homozygotes.

Submission:

PreventionGenetics, part of Exact Sciences
Classification: Likely benign for LMOD3-related condition. Last evaluated: 2024-03-29. Review status: no assertion criteria provided. Collection method: clinical testing. Allele origin: germline.
Comment: This variant is classified as likely benign based on ACMG/AMP sequence variant interpretation guidelines (Richards et al. 2015 PMID: 25741868, with internal and published modifications).

NM_198271.5(LMOD3):c.462T>C (p.Asp154=)

Gene: LMOD3 (leiomodin 3; minus strand). Cytogenetic location: 3p14.1.
Variant type: single nucleotide variant.
Coding change: c.462T>C on transcript NM_198271.5 (MANE Select); coding-DNA position 462, T replaced by C.
Protein change: p.Asp154=; no amino-acid change (aspartic acid 154 retained).
Molecular consequence: synonymous variant.
Genome position (GRCh38, 1-based): chr3:69,119,893, A>G on the plus strand (T>C on the coding strand, the complement: LMOD3 is on the minus strand). VCF-style: chr3-69119893-A-G. GRCh37 (hg19) VCF-style: chr3-69169044-A-G.
Other names: c.462T>C, p.Asp154= (NM_001304418.3).
Identifiers: ClinVar variation 3349423 (VCV003349423.1).